The following is an entry in ClinVar:

NM_004304.5(ALK):c.4765C>T (p.Gln1589Ter)

Gene: ALK (ALK receptor tyrosine kinase; minus strand). Cytogenetic location: 2p23.2.
Variant type: single nucleotide variant.
Coding change: c.4765C>T on transcript NM_004304.5 (MANE Select); coding-DNA position 4765, C replaced by T.
Protein change: p.Gln1589Ter; replaces glutamine 1589 with a stop codon.
Molecular consequence: nonsense.
Genome position (GRCh38, 1-based): chr2:29,193,322, G>A on the plus strand (C>T on the coding strand, the complement: ALK is on the minus strand). VCF-style: chr2-29193322-G-A. GRCh37 (hg19) VCF-style: chr2-29416188-G-A.
Other names: c.4765C>T (NM_004304.4); c.1561C>T, p.Gln521Ter (NM_001353765.2); short protein forms Q1589*, Q521*.
Identifiers: ClinVar variation 2914680 (VCV002914680.4), dbSNP rs2148137192, ClinGen allele CA346460290.

ClinVar aggregate classification (germline): Uncertain significance. Review status: criteria provided, multiple submitters, no conflicts (2 of 4 stars). 2 submissions from 2 submitters: Uncertain significance (2). Last evaluated 2026-07-29.

Conditions:
Neuroblastoma, susceptibility to, 3. Also called: ALK-Related Neuroblastic Tumor Susceptibility. Identifiers: Orphanet 635, MedGen C2751681, MONDO:0013083, OMIM 613014.
Hereditary cancer-predisposing syndrome. Also called: Hereditary Cancer Syndrome; Hereditary neoplastic syndrome; Neoplastic Syndromes, Hereditary; Tumor predisposition. Identifiers: Orphanet 140162, MedGen C0027672, MeSH D009386, MONDO:0015356.

gnomAD v4.1: 1 of 1,614,196 alleles (0.000062%); highest among the groups gnomAD compares: Non-Finnish European, 0.000085%; no homozygotes.

Submissions (2):

Ambry Genetics
Classification: Uncertain significance for Hereditary cancer-predisposing syndrome. Last evaluated: 2026-07-29. Review status: criteria provided, single submitter. Criteria: Ambry Variant Classification Scheme 2023. Collection method: clinical testing. Allele origin: germline.
Comment: The p.Q1589* variant (also known as c.4765C>T), located in coding exon 29 of the ALK gene, results from a C to T substitution at nucleotide position 4765. This changes the amino acid from a glutamine to a stop codon within coding exon 29. This variant occurs at the 3' terminus of the gene and is not expected to trigger nonsense-mediated mRNA decay. Based on the available evidence, the clinical significance of this variant remains unclear.

Labcorp Genetics (formerly Invitae), Labcorp
Classification: Uncertain significance for Neuroblastoma, susceptibility to, 3. Last evaluated: 2022-12-14. Review status: criteria provided, single submitter. Criteria: Invitae Variant Classification Sherloc (09022015). Collection method: clinical testing. Allele origin: germline.
Comment: In summary, the available evidence is currently insufficient to determine the role of this variant in disease. Therefore, it has been classified as a Variant of Uncertain Significance. Experimental studies and prediction algorithms are not available or were not evaluated, and the functional significance of this variant is currently unknown. This variant has not been reported in the literature in individuals affected with ALK-related conditions. This variant is not present in population databases (gnomAD no frequency). This sequence change creates a premature translational stop signal (p.Gln1589*) in the ALK gene. While this is not anticipated to result in nonsense mediated decay, it is expected to disrupt the last 32 amino acid(s) of the ALK protein.